The following is an entry in ClinVar:

NM_003072.5(SMARCA4):c.1914G>T (p.Gln638His)

Gene: SMARCA4 (SWI/SNF related BAF chromatin remodeling complex subunit ATPase 4; plus strand). Cytogenetic location: 19p13.2.
Variant type: single nucleotide variant.
Coding change: c.1914G>T on transcript NM_003072.5 (MANE Select); coding-DNA position 1914, G replaced by T.
Protein change: p.Gln638His; replaces glutamine 638 with histidine.
Molecular consequence: missense variant. On other transcripts: non-coding transcript variant (1).
Genome position (GRCh38, 1-based): chr19:11,003,130, G>T. VCF-style: chr19-11003130-G-T. GRCh37 (hg19) VCF-style: chr19-11113806-G-T.
Other names: c.1914G>T, p.Gln638His (NM_001128844.3, NM_001128845.2, NM_001128846.2 and 5 more transcripts); short protein forms Q638H.
Identifiers: ClinVar variation 537783 (VCV000537783.8), dbSNP rs1555768426, ClinGen allele CA404051663.

ClinVar aggregate classification (germline): Uncertain significance (1 of 4 stars; one submission).

Conditions:
Rhabdoid tumor predisposition syndrome 2 (RTPS2). Identifiers: Orphanet 231108, Orphanet 69077, MedGen C2750074, MONDO:0013224, OMIM 613325.

Allele frequency attached by ClinVar (database versions not stated): gnomAD exomes below 0.00001.
gnomAD v4.1: 1 of 1,614,160 alleles (0.000062%); highest among the groups gnomAD compares: Non-Finnish European, 0.000085%; no homozygotes.

Submission:

Labcorp Genetics (formerly Invitae), Labcorp
Classification: Uncertain significance for Rhabdoid tumor predisposition syndrome 2. Last evaluated: 2018-01-15. Review status: criteria provided, single submitter. Criteria: Invitae Variant Classification Sherloc (09022015). Collection method: clinical testing. Allele origin: germline.
Comment: In summary, the available evidence is currently insufficient to determine the role of this variant in disease. Therefore, it has been classified as a Variant of Uncertain Significance. Algorithms developed to predict the effect of missense changes on protein structure and function do not agree on the potential impact of this missense change (SIFT: "Deleterious"; PolyPhen-2: "Possibly Damaging"; Align-GVGD: "Class C15"). This variant has not been reported in the literature in individuals with SMARCA4-related disease. This variant is not present in population databases (ExAC no frequency). This sequence change replaces glutamine with histidine at codon 638 of the SMARCA4 protein (p.Gln638His). The glutamine residue is highly conserved and there is a small physicochemical difference between glutamine and histidine.